The following is an entry in ClinVar:

NM_001035.3(RYR2):c.8436G>C (p.Gln2812His)

Gene: RYR2 (ryanodine receptor 2; plus strand). Cytogenetic location: 1q43.
Variant type: single nucleotide variant.
Coding change: c.8436G>C on transcript NM_001035.3 (MANE Select); coding-DNA position 8436, G replaced by C.
Protein change: p.Gln2812His; replaces glutamine 2812 with histidine.
Molecular consequence: missense variant.
Genome position (GRCh38, 1-based): chr1:237,660,947, G>C. VCF-style: chr1-237660947-G-C. GRCh37 (hg19) VCF-style: chr1-237824247-G-C.
Other names: short protein forms Q2812H.
Identifiers: ClinVar variation 926009 (VCV000926009.3), dbSNP rs1683728001, ClinGen allele CA345402024.

ClinVar aggregate classification (germline): Uncertain significance (1 of 4 stars; one submission).

Conditions:
Cardiomyopathy (CMYO). Also called: Cardiomyopathies. Identifiers: Orphanet 167848, MedGen C0878544, MONDO:0004994, HP:0001638. Inheritance: Various modes of inheritance.

Submission:

Color Diagnostics, LLC DBA Color Health
Classification: Uncertain significance for Cardiomyopathy. Last evaluated: 2020-01-17. Review status: criteria provided, single submitter. Criteria: ACMG Guidelines, 2015. Collection method: clinical testing. Allele origin: germline.
Comment: This missense variant replaces glutamine with histidine at codon 2812 of the RYR2 protein. Computational prediction suggests that this variant may have deleterious impact on protein structure and function (internally defined REVEL score threshold >= 0.7, PMID: 27666373). Splice site prediction tools and conservation analysis are inconclusive regarding the impact of this variant on RNA splicing. To our knowledge, functional studies have not been performed for this variant. This variant has not been reported in individuals affected with cardiovascular disorders in the literature. This variant has not been identified in the general population by the Genome Aggregation Database (gnomAD). The available evidence is insufficient to determine the role of this variant in disease conclusively. Therefore, this variant is classified as a Variant of Uncertain Significance.